The following is an entry in ClinVar:

ClinVar aggregate classification (germline): Conflicting classifications of pathogenicity. Review status: criteria provided, conflicting classifications (1 of 4 stars). 3 submissions from 3 submitters: Uncertain significance (2); Likely benign (1). Last evaluated 2023-03-23.

Conditions:
Hereditary cancer-predisposing syndrome. Also called: Hereditary Cancer Syndrome; Tumor predisposition; Hereditary neoplastic syndrome; Neoplastic Syndromes, Hereditary. Identifiers: Orphanet 140162, MedGen C0027672, MeSH D009386, MONDO:0015356.
Hereditary breast ovarian cancer syndrome. Also called: Hereditary breast and ovarian cancer; Hereditary breast and ovarian cancer syndrome; BRCA1- and BRCA2-Associated Hereditary Breast and Ovarian Cancer; Hereditary breast and ovarian cancer syndrome (HBOC); Breast and ovarian cancer; Hereditary breast and/or ovarian cancer syndrome. Identifiers: Orphanet 145, MedGen C0677776, MeSH D061325, MONDO:0003582. Disease mechanism: loss of function.

Submissions (3):

University of Washington Department of Laboratory Medicine, University of Washington
Classification: Likely benign for Hereditary cancer-predisposing syndrome. Last evaluated: 2023-03-23. Review status: criteria provided, single submitter. Criteria: Dines et al. (Genet Med. 2020). Collection method: curation. Allele origin: germline.
Comment: Missense variant in a coldspot region where missense variants are very unlikely to be pathogenic (PMID:31911673).

BRCA2 exon 11 coldspot. Reclassification based on statistical prior probability.

Labcorp Genetics (formerly Invitae), Labcorp
Classification: Uncertain significance for Hereditary breast ovarian cancer syndrome. Last evaluated: 2022-05-03. Review status: criteria provided, single submitter. Criteria: Invitae Variant Classification Sherloc (09022015). Collection method: clinical testing. Allele origin: germline.
Comment: Advanced modeling of protein sequence and biophysical properties (such as structural, functional, and spatial information, amino acid conservation, physicochemical variation, residue mobility, and thermodynamic stability) performed at Invitae indicates that this missense variant is not expected to disrupt BRCA2 protein function. In summary, the available evidence is currently insufficient to determine the role of this variant in disease. Therefore, it has been classified as a Variant of Uncertain Significance. ClinVar contains an entry for this variant (Variation ID: 646563). This variant has not been reported in the literature in individuals affected with BRCA2-related conditions. This variant is not present in population databases (gnomAD no frequency). This sequence change replaces isoleucine, which is neutral and non-polar, with methionine, which is neutral and non-polar, at codon 860 of the BRCA2 protein (p.Ile860Met).

Women's Health and Genetics/Laboratory Corporation of America, LabCorp
Classification: Uncertain significance. Last evaluated: 2022-04-24. Review status: criteria provided, single submitter. Criteria: LabCorp Variant Classification Summary - May 2015. Collection method: clinical testing. Allele origin: germline.

NM_000059.4(BRCA2):c.2580C>G (p.Ile860Met)

Gene: BRCA2 (BRCA2 DNA repair associated; plus strand). Cytogenetic location: 13q13.1.
Variant type: single nucleotide variant.
Coding change: c.2580C>G on transcript NM_000059.4 (MANE Select); coding-DNA position 2580, C replaced by G.
Protein change: p.Ile860Met; replaces isoleucine 860 with methionine.
Molecular consequence: missense variant.
Genome position (GRCh38, 1-based): chr13:32,336,935, C>G. VCF-style: chr13-32336935-C-G. GRCh37 (hg19) VCF-style: chr13-32911072-C-G.
Other names: short protein forms I860M.
Identifiers: ClinVar variation 646563 (VCV000646563.10), dbSNP rs1593897261, ClinGen allele CA387772587.